The following is an entry in ClinVar:

ClinVar aggregate classification (germline): Uncertain significance (1 of 4 stars; one submission).

Conditions:
Rubinstein-Taybi syndrome due to EP300 haploinsufficiency. Also called: EP300-Related Rubinstein-Taybi Syndrome; RUBINSTEIN-TAYBI SYNDROME 2. Identifiers: Orphanet 353284, Orphanet 783, MedGen C3150941, MONDO:0013364, OMIM 613684.

Submission:

Labcorp Genetics (formerly Invitae), Labcorp
Classification: Uncertain significance for Rubinstein-Taybi syndrome due to EP300 haploinsufficiency. Last evaluated: 2025-11-15. Review status: criteria provided, single submitter. Criteria: Invitae Variant Classification Sherloc (09022015). Collection method: clinical testing. Allele origin: germline.
Comment: This sequence change replaces threonine, which is neutral and polar, with serine, which is neutral and polar, at codon 565 of the EP300 protein (p.Thr565Ser). This variant is not present in population databases (gnomAD no frequency). This variant has not been reported in the literature in individuals affected with EP300-related conditions. Invitae Evidence Modeling of protein sequence and biophysical properties (such as structural, functional, and spatial information, amino acid conservation, physicochemical variation, residue mobility, and thermodynamic stability) indicates that this missense variant is not expected to disrupt EP300 protein function with a negative predictive value of 80%. In summary, the available evidence is currently insufficient to determine the role of this variant in disease. Therefore, it has been classified as a Variant of Uncertain Significance.

NM_001429.4(EP300):c.1693A>T (p.Thr565Ser)

Gene: EP300 (EP300 lysine acetyltransferase; plus strand). Cytogenetic location: 22q13.2.
Variant type: single nucleotide variant.
Coding change: c.1693A>T on transcript NM_001429.4 (MANE Select); coding-DNA position 1693, A replaced by T.
Protein change: p.Thr565Ser; replaces threonine 565 with serine.
Molecular consequence: missense variant.
Genome position (GRCh38, 1-based): chr22:41,137,723, A>T. VCF-style: chr22-41137723-A-T. GRCh37 (hg19) VCF-style: chr22-41533727-A-T.
Other names: c.1693A>T, p.Thr565Ser (NM_001362843.2); short protein forms T565S.
Identifiers: ClinVar variation 4746227 (VCV004746227.1).